The following is an entry in ClinVar:

NM_198834.3(ACACA):c.7014C>T (p.Leu2338=)

Gene: ACACA (acetyl-CoA carboxylase alpha; minus strand). Cytogenetic location: 17q12.
Variant type: single nucleotide variant.
Coding change: c.7014C>T on transcript NM_198834.3 (MANE Select); coding-DNA position 7014, C replaced by T.
Protein change: p.Leu2338=; no amino-acid change (leucine 2338 retained).
Molecular consequence: synonymous variant.
Genome position (GRCh38, 1-based): chr17:37,088,952, G>A on the plus strand (C>T on the coding strand, the complement: ACACA is on the minus strand). VCF-style: chr17-37088952-G-A. GRCh37 (hg19) VCF-style: chr17-35445887-G-A.
Other names: c.7014C>T (NM_198834.2); c.6903C>T, p.Leu2301= (NM_198836.3, NM_198839.3); c.6729C>T, p.Leu2243= (NM_198837.2); c.6669C>T, p.Leu2223= (NM_198838.2).
Identifiers: ClinVar variation 2959426 (VCV002959426.5), dbSNP rs199767518, ClinGen allele CA8514510.

ClinVar aggregate classification (germline): Benign. Review status: criteria provided, single submitter (1 of 4 stars). 2 submissions from 2 submitters: Benign (1). 1 of the submissions does not count toward it. Last evaluated 2025-07-22.

Conditions:
ACACA-related disorder. Also called: ACACA-related condition.

Allele frequency attached by ClinVar (database versions not stated): gnomAD exomes 0.00012; 1000 Genomes Project 0.00040; TOPMed 0.00013; gnomAD 0.00011; ExAC 0.00027; 1000 Genomes Project 30x 0.00047.
gnomAD v4.1: 199 of 1,614,204 alleles (0.012%); highest among the groups gnomAD compares: East Asian, 0.4%; no homozygotes.

Submissions (2):

Labcorp Genetics (formerly Invitae), Labcorp
Classification: Benign. Last evaluated: 2025-07-22. Review status: criteria provided, single submitter. Criteria: Invitae Variant Classification Sherloc (09022015). Collection method: clinical testing. Allele origin: germline.

PreventionGenetics, part of Exact Sciences
Classification: Likely benign for ACACA-related condition. Last evaluated: 2019-03-20. Review status: no assertion criteria provided. Collection method: clinical testing. Allele origin: germline. Not counted in ClinVar's aggregate classification.
Comment: This variant is classified as likely benign based on ACMG/AMP sequence variant interpretation guidelines (Richards et al. 2015 PMID: 25741868, with internal and published modifications).